The following is an entry in ClinVar:

ClinVar aggregate classification (germline): Uncertain significance (1 of 4 stars; one submission).

gnomAD v4.1: 29 of 1,611,000 alleles (0.0018%); highest among the groups gnomAD compares: Middle Eastern, 0.017%; no homozygotes.

Submission:

Labcorp Genetics (formerly Invitae), Labcorp
Classification: Uncertain significance. Last evaluated: 2025-03-16. Review status: criteria provided, single submitter. Criteria: Invitae Variant Classification Sherloc (09022015). Collection method: clinical testing. Allele origin: germline.
Comment: This sequence change replaces proline, which is neutral and non-polar, with leucine, which is neutral and non-polar, at codon 518 of the DVL1 protein (p.Pro518Leu). This variant is not present in population databases (gnomAD no frequency). This variant has not been reported in the literature in individuals affected with DVL1-related conditions. Invitae Evidence Modeling of protein sequence and biophysical properties (such as structural, functional, and spatial information, amino acid conservation, physicochemical variation, residue mobility, and thermodynamic stability) indicates that this missense variant is not expected to disrupt DVL1 protein function with a negative predictive value of 80%. In summary, the available evidence is currently insufficient to determine the role of this variant in disease. Therefore, it has been classified as a Variant of Uncertain Significance.

NM_001330311.2(DVL1):c.1628C>T (p.Pro543Leu)

Gene: DVL1 (dishevelled segment polarity protein 1; minus strand). Cytogenetic location: 1p36.33.
Variant type: single nucleotide variant.
Coding change: c.1628C>T on transcript NM_001330311.2 (MANE Select); coding-DNA position 1628, C replaced by T.
Protein change: p.Pro543Leu; replaces proline 543 with leucine.
Molecular consequence: missense variant.
Genome position (GRCh38, 1-based): chr1:1,338,063, G>A on the plus strand (C>T on the coding strand, the complement: DVL1 is on the minus strand). VCF-style: chr1-1338063-G-A. GRCh37 (hg19) VCF-style: chr1-1273443-G-A.
Other names: c.1553C>T, p.Pro518Leu (NM_004421.3); short protein forms P518L, P543L.
Identifiers: ClinVar variation 4767195 (VCV004767195.1).
Genomic context (GRCh38, chr1:1,338,063, plus strand): 5'-CCGCTGCCATAGCTAAAGCCCGGGTCCTGGTAGGCAGGCGGGAAGCAGGGTGGGGGTCCC[G>A]GGTACTGGTAGGGGTAGCCCTGACCCAGAGGCCAGGGGGCAGCCGGGTGGGGCAGCGGGG-3'
Protein context (NP_001317240.1, residues 533-553): PLGQGYPYQY[Pro543Leu]GPPPCFPPAY